The following is an entry in ClinVar:

NM_178857.6(RP1L1):c.4816C>T (p.Arg1606Cys)

Gene: RP1L1 (RP1 like 1). Cytogenetic location: 8p23.1.
Variant type: single nucleotide variant.
Coding change: c.4816C>T on transcript NM_178857.6 (MANE Select); coding-DNA position 4816, C replaced by T.
Protein change: p.Arg1606Cys; replaces arginine 1606 with cysteine.
Molecular consequence: missense variant.
Genome position (GRCh38, 1-based): chr8:10,609,282, G>A on the plus strand (C>T on the coding strand, the complement: RP1L1 is on the minus strand). VCF-style: chr8-10609282-G-A. GRCh37 (hg19) VCF-style: chr8-10466792-G-A.
Other names: c.4816C>T (NM_178857.5); short protein forms R1606C.
Identifiers: ClinVar variation 3249025 (VCV003249025.3).

ClinVar aggregate classification (germline): Uncertain significance. Review status: criteria provided, multiple submitters, no conflicts (2 of 4 stars). 3 submissions from 3 submitters: Uncertain significance (2). 1 of the submissions does not count toward it. Last evaluated 2023-12-13.

Conditions:
Retinal dystrophy. Also called: Inherited retinal dystrophy. Identifiers: Orphanet 71862, MedGen C0854723, MeSH D058499, MONDO:0019118, HP:0000556.

gnomAD v4.1: 20 of 1,610,004 alleles (0.0012%); highest among the groups gnomAD compares: Middle Eastern, 0.016%; no homozygotes.

Submissions (3):

GeneDx
Classification: Uncertain significance. Last evaluated: 2023-12-13. Review status: criteria provided, single submitter. Criteria: GeneDx Variant Classification Process June 2021. Collection method: clinical testing. Allele origin: germline. Affected: yes.
Comment: In silico analysis supports that this missense variant has a deleterious effect on protein structure/function; Has not been previously published as pathogenic or benign to our knowledge

Blueprint Genetics
Classification: Uncertain significance. Last evaluated: 2023-10-05. Review status: criteria provided, single submitter. Criteria: ACMG Guidelines, 2015. Collection method: clinical testing. Allele origin: germline.

Institute of Human Genetics, Univ. Regensburg, Univ. Regensburg
Classification: Uncertain significance for Retinal dystrophy. Last evaluated: 2021-01-01. Review status: no assertion criteria provided. Criteria: ACMG Guidelines, 2015. Collection method: clinical testing. Allele origin: germline. Affected: yes. Not counted in ClinVar's aggregate classification.